The following is an entry in ClinVar:

ClinVar aggregate classification (germline): Likely benign. Review status: criteria provided, single submitter (1 of 4 stars). 2 submissions from 2 submitters: Likely benign (1). 1 of the submissions does not count toward it. Last evaluated 2026-02-01.

Conditions:
CREBBP-related disorder. Also called: CREBBP-related condition; CREBBP-related disorders.

gnomAD v4.1: 11 of 1,614,056 alleles (0.00068%); highest among the groups gnomAD compares: South Asian, 0.0033%; no homozygotes.

Submissions (2):

CeGaT Center for Human Genetics Tuebingen
Classification: Likely benign. Last evaluated: 2026-02-01. Review status: criteria provided, single submitter. Criteria: CeGaT Center For Human Genetics Tuebingen Variant Classification Criteria Version 2. Collection method: clinical testing. Allele origin: germline. Affected: yes. Observed: 1 variant allele.
Comment: CREBBP: BP4, BP7

PreventionGenetics, part of Exact Sciences
Classification: Likely benign for CREBBP-related condition. Last evaluated: 2024-04-25. Review status: no assertion criteria provided. Collection method: clinical testing. Allele origin: germline. Not counted in ClinVar's aggregate classification.
Comment: This variant is classified as likely benign based on ACMG/AMP sequence variant interpretation guidelines (Richards et al. 2015 PMID: 25741868, with internal and published modifications).

NM_004380.3(CREBBP):c.4209C>T (p.Asp1403=)

Gene: CREBBP (CREB binding lysine acetyltransferase; minus strand). Cytogenetic location: 16p13.3.
Variant type: single nucleotide variant.
Coding change: c.4209C>T on transcript NM_004380.3 (MANE Select); coding-DNA position 4209, C replaced by T.
Protein change: p.Asp1403=; no amino-acid change (aspartic acid 1403 retained).
Molecular consequence: synonymous variant.
Genome position (GRCh38, 1-based): chr16:3,739,649, G>A on the plus strand (C>T on the coding strand, the complement: CREBBP is on the minus strand). VCF-style: chr16-3739649-G-A. GRCh37 (hg19) VCF-style: chr16-3789650-G-A.
Other names: c.4095C>T, p.Asp1365= (NM_001079846.1).
Identifiers: ClinVar variation 3347693 (VCV003347693.5).